The following is an entry in ClinVar:

NM_004415.4(DSP):c.1858C>G (p.Gln620Glu)

Gene: DSP (desmoplakin; plus strand). Cytogenetic location: 6p24.3.
Variant type: single nucleotide variant.
Coding change: c.1858C>G on transcript NM_004415.4 (MANE Select); coding-DNA position 1858, C replaced by G.
Protein change: p.Gln620Glu; replaces glutamine 620 with glutamic acid.
Molecular consequence: missense variant.
Genome position (GRCh38, 1-based): chr6:7,571,539, C>G. VCF-style: chr6-7571539-C-G. GRCh37 (hg19) VCF-style: chr6-7571772-C-G.
Other names: c.1858C>G, p.Gln620Glu (NM_001008844.3, NM_001319034.2); short protein forms Q620E.
Identifiers: ClinVar variation 4787277 (VCV004787277.1).

ClinVar aggregate classification (germline): Uncertain significance (1 of 4 stars; one submission).

Conditions:
Arrhythmogenic right ventricular dysplasia 8 (ARVD8). Also called: Arrhythmogenic Right Ventricular Dysplasia/Cardiomyopathy 8; ARRHYTHMOGENIC RIGHT VENTRICULAR DYSPLASIA, FAMILIAL, 8; ARRHYTHMOGENIC RIGHT VENTRICULAR CARDIOMYOPATHY 8. Identifiers: MedGen C1843896, MONDO:0011831, OMIM 607450.
Arrhythmogenic cardiomyopathy with wooly hair and keratoderma. Also called: Arrhythmogenic cardiomyopathy with woolly hair and keratoderma; PALMOPLANTAR KERATODERMA WITH LEFT VENTRICULAR CARDIOMYOPATHY AND WOOLLY HAIR; Carvajal syndrome; Dilated cardiomyopathy with woolly hair and keratoderma. Identifiers: Orphanet 65282, MedGen C1854063, MONDO:0011581, OMIM 605676.

Submission:

Labcorp Genetics (formerly Invitae), Labcorp
Classification: Uncertain significance for Arrhythmogenic cardiomyopathy with wooly hair and keratoderma; Arrhythmogenic right ventricular dysplasia 8. Last evaluated: 2026-01-14. Review status: criteria provided, single submitter. Criteria: Invitae Variant Classification Sherloc (09022015). Collection method: clinical testing. Allele origin: germline.
Comment: This sequence change replaces glutamine, which is neutral and polar, with glutamic acid, which is acidic and polar, at codon 620 of the DSP protein (p.Gln620Glu). This variant is not present in population databases (gnomAD no frequency). This variant has not been reported in the literature in individuals affected with DSP-related conditions. An algorithm developed to predict the effect of missense changes on protein structure and function (PolyPhen-2) suggests that this variant is likely to be disruptive. In summary, the available evidence is currently insufficient to determine the role of this variant in disease. Therefore, it has been classified as a Variant of Uncertain Significance.